The following is an entry in ClinVar:

NM_001206927.2(DNAH8):c.1859T>G (p.Ile620Arg)

Gene: DNAH8 (dynein axonemal heavy chain 8; plus strand). Cytogenetic location: 6p21.2.
Variant type: single nucleotide variant.
Coding change: c.1859T>G on transcript NM_001206927.2 (MANE Select); coding-DNA position 1859, T replaced by G.
Protein change: p.Ile620Arg; replaces isoleucine 620 with arginine.
Molecular consequence: missense variant.
Genome position (GRCh38, 1-based): chr6:38,775,848, T>G. VCF-style: chr6-38775848-T-G. GRCh37 (hg19) VCF-style: chr6-38743624-T-G.
Other names: c.1208T>G, p.Ile403Arg (NM_001371.4); short protein forms I403R, I620R.
Identifiers: ClinVar variation 4726625 (VCV004726625.1).

ClinVar aggregate classification (germline): Uncertain significance (1 of 4 stars; one submission).

Conditions:
Primary ciliary dyskinesia. Also called: Ciliary dyskinesia. Identifiers: Orphanet 244, MedGen C0008780, MONDO:0016575, HP:0012265.

gnomAD v4.1: 15 of 1,607,778 alleles (0.00093%); highest among the groups gnomAD compares: Non-Finnish European, 0.0013%; no homozygotes.

Submission:

Labcorp Genetics (formerly Invitae), Labcorp
Classification: Uncertain significance for Primary ciliary dyskinesia. Last evaluated: 2025-04-08. Review status: criteria provided, single submitter. Criteria: Invitae Variant Classification Sherloc (09022015). Collection method: clinical testing. Allele origin: germline.
Comment: This sequence change replaces isoleucine, which is neutral and non-polar, with arginine, which is basic and polar, at codon 620 of the DNAH8 protein (p.Ile620Arg). The frequency data for this variant in the population databases is considered unreliable, as metrics indicate poor data quality at this position in the gnomAD database. This variant has not been reported in the literature in individuals affected with DNAH8-related conditions. Experimental studies and prediction algorithms are not available or were not evaluated, and the functional significance of this variant is currently unknown. In summary, the available evidence is currently insufficient to determine the role of this variant in disease. Therefore, it has been classified as a Variant of Uncertain Significance.